The following is an entry in ClinVar:

ClinVar aggregate classification (germline): Likely benign. Review status: criteria provided, multiple submitters, no conflicts (2 of 4 stars). 2 submissions from 2 submitters: Likely benign (2). Last evaluated 2024-07-11.

Conditions:
BAP1-related tumor predisposition syndrome (TPDS1). Also called: Tumor susceptibility linked to germline BAP1 mutations; COMMON Syndrome; TUMOR PREDISPOSITION SYNDROME 1; BAP1 tumor predisposition syndrome. Identifiers: Orphanet 289539, MedGen C3280492, MONDO:0013692, OMIM 614327.

Submissions (2):

Myriad Genetics, Inc.
Classification: Likely benign for BAP1-related tumor predisposition syndrome. Last evaluated: 2024-07-11. Review status: criteria provided, single submitter. Criteria: Myriad Autosomal Dominant, Autosomal Recessive and X-Linked Classification Criteria (2023). Collection method: clinical testing. Allele origin: unknown.
Comment: This variant is considered likely benign. This variant is intronic and is not expected to impact mRNA splicing.

Labcorp Genetics (formerly Invitae), Labcorp
Classification: Likely benign for BAP1-related tumor predisposition syndrome. Last evaluated: 2020-11-03. Review status: criteria provided, single submitter. Criteria: Invitae Variant Classification Sherloc (09022015). Collection method: clinical testing. Allele origin: germline.

NM_004656.4(BAP1):c.122+9C>T

Gene: BAP1 (BRCA1 associated deubiquitinase 1; minus strand). Cytogenetic location: 3p21.1.
Variant type: single nucleotide variant.
Coding change: c.122+9C>T on transcript NM_004656.4 (MANE Select); 9 bases into the intron after coding-DNA position 122, C replaced by T.
Molecular consequence: intron variant.
Genome position (GRCh38, 1-based): chr3:52,409,545, G>A on the plus strand (C>T on the coding strand, the complement: BAP1 is on the minus strand). VCF-style: chr3-52409545-G-A. GRCh37 (hg19) VCF-style: chr3-52443561-G-A.
Identifiers: ClinVar variation 1646470 (VCV001646470.9), dbSNP rs2153228503, ClinGen allele CA2573137301.